The following is an entry in ClinVar:

NM_206933.4(USH2A):c.14936C>A (p.Thr4979Asn)

Gene: USH2A (usherin; minus strand). Cytogenetic location: 1q41.
Variant type: single nucleotide variant.
Coding change: c.14936C>A on transcript NM_206933.4 (MANE Select); coding-DNA position 14936, C replaced by A.
Protein change: p.Thr4979Asn; replaces threonine 4979 with asparagine.
Molecular consequence: missense variant.
Genome position (GRCh38, 1-based): chr1:215,640,590, G>T on the plus strand (C>A on the coding strand, the complement: USH2A is on the minus strand). VCF-style: chr1-215640590-G-T. GRCh37 (hg19) VCF-style: chr1-215813932-G-T.
Other names: short protein forms T4979N.
Identifiers: ClinVar variation 1504306 (VCV001504306.6), dbSNP rs1453030908, ClinGen allele CA344827680.

ClinVar aggregate classification (germline): Uncertain significance (1 of 4 stars; one submission).

Allele frequency attached by ClinVar (database versions not stated): gnomAD exomes below 0.00001 and 0.00001; 1000 Genomes Project 30x 0.00016.
gnomAD v4.1: 17 of 1,613,792 alleles (0.0011%); highest among the groups gnomAD compares: Non-Finnish European, 0.0014%; no homozygotes.

Submission:

Labcorp Genetics (formerly Invitae), Labcorp
Classification: Uncertain significance. Last evaluated: 2022-04-29. Review status: criteria provided, single submitter. Criteria: Invitae Variant Classification Sherloc (09022015). Collection method: clinical testing. Allele origin: germline.
Comment: Algorithms developed to predict the effect of missense changes on protein structure and function are either unavailable or do not agree on the potential impact of this missense change (SIFT: "Deleterious"; PolyPhen-2: "Probably Damaging"; Align-GVGD: "Class C0"). In summary, the available evidence is currently insufficient to determine the role of this variant in disease. Therefore, it has been classified as a Variant of Uncertain Significance. This sequence change replaces threonine, which is neutral and polar, with asparagine, which is neutral and polar, at codon 4979 of the USH2A protein (p.Thr4979Asn). This variant is present in population databases (no rsID available, gnomAD 0.0009%). This variant has not been reported in the literature in individuals affected with USH2A-related conditions.